The following is an entry in ClinVar:

ClinVar aggregate classification (germline): Uncertain significance. Review status: criteria provided, multiple submitters, no conflicts (2 of 4 stars). 3 submissions from 3 submitters: Uncertain significance (3). Last evaluated 2025-04-07.

Conditions:
Fanconi anemia (FA). Also called: Fanconi's anemia. Identifiers: Orphanet 84, MedGen C0015625, MeSH D005199, MONDO:0019391.
Spermatogenic failure 28. Identifiers: MedGen C4748117, MONDO:0054732, OMIM 618086.
Premature ovarian failure 15. Identifiers: MedGen C4748170, MONDO:0054862, OMIM 618096.

Allele frequency attached by ClinVar (database versions not stated): gnomAD exomes below 0.00001 and 0.00001; ExAC 0.00001; gnomAD 0.00004; TOPMed 0.00006.
gnomAD v4.1: 12 of 1,599,392 alleles (0.00075%); highest among the groups gnomAD compares: African/African-American, 0.016%; no homozygotes.

Submissions (3):

Labcorp Genetics (formerly Invitae), Labcorp
Classification: Uncertain significance for Fanconi anemia. Last evaluated: 2025-04-07. Review status: criteria provided, single submitter. Criteria: Invitae Variant Classification Sherloc (09022015). Collection method: clinical testing. Allele origin: germline.
Comment: This sequence change replaces serine, which is neutral and polar, with arginine, which is basic and polar, at codon 673 of the FANCM protein (p.Ser673Arg). This variant is present in population databases (rs756249141, gnomAD 0.01%). This variant has not been reported in the literature in individuals affected with FANCM-related conditions. ClinVar contains an entry for this variant (Variation ID: 659728). An algorithm developed to predict the effect of missense changes on protein structure and function (PolyPhen-2) suggests that this variant is likely to be tolerated. In summary, the available evidence is currently insufficient to determine the role of this variant in disease. Therefore, it has been classified as a Variant of Uncertain Significance.

GeneDx
Classification: Uncertain significance. Last evaluated: 2024-01-29. Review status: criteria provided, single submitter. Criteria: GeneDx Variant Classification Process June 2021. Collection method: clinical testing. Allele origin: germline. Affected: yes.
Comment: Not observed at significant frequency in large population cohorts (gnomAD); In silico analysis supports that this missense variant does not alter protein structure/function; Has not been previously published as pathogenic or benign to our knowledge

Fulgent Genetics
Classification: Uncertain significance for Spermatogenic failure 28; Premature ovarian failure 15. Last evaluated: 2022-04-30. Review status: criteria provided, single submitter. Criteria: ACMG Guidelines, 2015. Collection method: clinical testing. Allele origin: unknown.

NM_020937.4(FANCM):c.2017A>C (p.Ser673Arg)

Gene: FANCM (FA complementation group M; plus strand). Cytogenetic location: 14q21.2.
Variant type: single nucleotide variant.
Coding change: c.2017A>C on transcript NM_020937.4 (MANE Select); coding-DNA position 2017, A replaced by C.
Protein change: p.Ser673Arg; replaces serine 673 with arginine.
Molecular consequence: missense variant.
Genome position (GRCh38, 1-based): chr14:45,170,603, A>C. VCF-style: chr14-45170603-A-C. GRCh37 (hg19) VCF-style: chr14-45639806-A-C.
Other names: c.1939A>C, p.Ser647Arg (NM_001308133.2); c.2017A>C (LRG_502t1); short protein forms S647R, S673R.
Identifiers: ClinVar variation 659728 (VCV000659728.12), dbSNP rs756249141, ClinGen allele CA7169223.
Genomic context (GRCh38, chr14:45,170,603, plus strand): 5'-GCAGATTTTTAAAAAGTCTCTTTTCCATTATTTTTTCAACTTATAGGAATGAGGCAAAGT[A>C]GCCTAAAGAAAGATTGGTTCTTATCAGAAGAAGAATTTAAATTATGGAACAGACTTTATA-3'
Protein context (NP_065988.1, residues 663-683): FSYRDGMRQS[Ser673Arg]LKKDWFLSEE